The following is an entry in ClinVar:

NM_001429.4(EP300):c.6382C>G (p.Pro2128Ala)

Gene: EP300 (EP300 lysine acetyltransferase; plus strand). Cytogenetic location: 22q13.2.
Variant type: single nucleotide variant.
Coding change: c.6382C>G on transcript NM_001429.4 (MANE Select); coding-DNA position 6382, C replaced by G.
Protein change: p.Pro2128Ala; replaces proline 2128 with alanine.
Molecular consequence: missense variant.
Genome position (GRCh38, 1-based): chr22:41,178,093, C>G. VCF-style: chr22-41178093-C-G. GRCh37 (hg19) VCF-style: chr22-41574097-C-G.
Other names: c.6382C>G (NM_001429.3); c.6304C>G, p.Pro2102Ala (NM_001362843.2); short protein forms P2128A, P2102A.
Identifiers: ClinVar variation 2076442 (VCV002076442.7), dbSNP rs768432479, ClinGen allele CA10253844.

ClinVar aggregate classification (germline): Benign/Likely benign. Review status: criteria provided, multiple submitters, no conflicts (2 of 4 stars). 4 submissions from 4 submitters: Benign (1); Likely benign (2). 1 of the submissions does not count toward it. Last evaluated 2025-09-05.

Conditions:
Inborn genetic diseases. Identifiers: MedGen C0950123, MeSH D030342.
EP300-related disorder. Also called: EP300-related condition; EP300-related disorders.
Rubinstein-Taybi syndrome due to EP300 haploinsufficiency. Also called: EP300-Related Rubinstein-Taybi Syndrome; RUBINSTEIN-TAYBI SYNDROME 2. Identifiers: Orphanet 353284, Orphanet 783, MedGen C3150941, MONDO:0013364, OMIM 613684.

Allele frequency attached by ClinVar (database versions not stated): gnomAD 0.00001; ExAC 0.00007.
gnomAD v4.1: 47 of 1,614,020 alleles (0.0029%); highest among the groups gnomAD compares: Non-Finnish European, 0.0038%; no homozygotes.

Submissions (4):

Ambry Genetics
Classification: Likely benign for Inborn genetic diseases. Last evaluated: 2025-09-05. Review status: criteria provided, single submitter. Criteria: Ambry Variant Classification Scheme 2023. Collection method: clinical testing. Allele origin: germline.

Labcorp Genetics (formerly Invitae), Labcorp
Classification: Benign for Rubinstein-Taybi syndrome due to EP300 haploinsufficiency. Last evaluated: 2022-09-01. Review status: criteria provided, single submitter. Criteria: Invitae Variant Classification Sherloc (09022015). Collection method: clinical testing. Allele origin: germline.

Blueprint Genetics
Classification: Likely benign. Last evaluated: 2022-07-14. Review status: criteria provided, single submitter. Criteria: ACMG Guidelines, 2015. Collection method: clinical testing. Allele origin: germline.

PreventionGenetics, part of Exact Sciences
Classification: Uncertain significance for EP300-related condition. Last evaluated: 2024-06-24. Review status: no assertion criteria provided. Collection method: clinical testing. Allele origin: germline. Not counted in ClinVar's aggregate classification.
Comment: The EP300 c.6382C>G variant is predicted to result in the amino acid substitution p.Pro2128Ala. To our knowledge, this variant has not been reported in the literature. This variant is reported in 0.0085% of alleles in individuals of European (Non-Finnish) descent in gnomAD. At this time, the clinical significance of this variant is uncertain due to the absence of conclusive functional and genetic evidence.